The following is an entry in ClinVar:

NM_000234.3(LIG1):c.1063C>T (p.Leu355Phe)

Gene: LIG1 (DNA ligase 1; minus strand). Cytogenetic location: 19q13.33.
Variant type: single nucleotide variant.
Coding change: c.1063C>T on transcript NM_000234.3 (MANE Select); coding-DNA position 1063, C replaced by T.
Protein change: p.Leu355Phe; replaces leucine 355 with phenylalanine.
Molecular consequence: missense variant. On other transcripts: non-coding transcript variant (6).
Genome position (GRCh38, 1-based): chr19:48,139,995, G>A on the plus strand (C>T on the coding strand, the complement: LIG1 is on the minus strand). VCF-style: chr19-48139995-G-A. GRCh37 (hg19) VCF-style: chr19-48643252-G-A.
Other names: c.970C>T, p.Leu324Phe (NM_001289063.2); c.859C>T, p.Leu287Phe (NM_001289064.2); c.1060C>T, p.Leu354Phe (NM_001320970.2); c.973C>T, p.Leu325Phe (NM_001320971.2); short protein forms L287F, L324F, L355F, L325F, L354F.
Identifiers: ClinVar variation 1518795 (VCV001518795.5), dbSNP rs202150273, ClinGen allele CA9547002.
Genomic context (GRCh38, chr19:48,139,995, plus strand): 5'-TGTCCTTCTGGTCCCTCCAACCACAGTCCCCCTTACCTGTGGCCTGGGCCACTGCCTTGA[G>A]AAGGACACCATCACCCACGCCAAGCTCCAGGCCCTGCTGGGGTGGCCCAAGGTGGTTGAG-3'
Protein context (NP_000225.1, residues 345-365): LELGVGDGVL[Leu355Phe]KAVAQATGRQ

ClinVar aggregate classification (germline): Uncertain significance (1 of 4 stars; one submission).

Allele frequency attached by ClinVar (database versions not stated): gnomAD exomes 0.00001 and 0.00005; ExAC 0.00002; gnomAD 0.00002 and 0.00003; 1000 Genomes Project 30x 0.00031; 1000 Genomes Project 0.00040.
gnomAD v4.1: 23 of 1,614,142 alleles (0.0014%); highest among the groups gnomAD compares: East Asian, 0.049%; no homozygotes.

Submission:

Labcorp Genetics (formerly Invitae), Labcorp
Classification: Uncertain significance. Last evaluated: 2021-08-27. Review status: criteria provided, single submitter. Criteria: Invitae Variant Classification Sherloc (09022015). Collection method: clinical testing. Allele origin: germline.
Comment: This sequence change replaces leucine with phenylalanine at codon 355 of the LIG1 protein (p.Leu355Phe). The leucine residue is moderately conserved and there is a small physicochemical difference between leucine and phenylalanine. This variant is present in population databases (rs202150273, ExAC 0.03%). This variant has not been reported in the literature in individuals affected with LIG1-related conditions. Algorithms developed to predict the effect of missense changes on protein structure and function are either unavailable or do not agree on the potential impact of this missense change (SIFT: "Tolerated"; PolyPhen-2: "Probably Damaging"; Align-GVGD: "Class C0"). In summary, the available evidence is currently insufficient to determine the role of this variant in disease. Therefore, it has been classified as a Variant of Uncertain Significance.